The following is an entry in ClinVar:

NM_005546.4(ITK):c.1510A>T (p.Thr504Ser)

Gene: ITK (IL2 inducible T cell kinase; plus strand). Cytogenetic location: 5q33.3.
Variant type: single nucleotide variant.
Coding change: c.1510A>T on transcript NM_005546.4 (MANE Select); coding-DNA position 1510, A replaced by T.
Protein change: p.Thr504Ser; replaces threonine 504 with serine.
Molecular consequence: missense variant.
Genome position (GRCh38, 1-based): chr5:157,245,786, A>T. VCF-style: chr5-157245786-A-T. GRCh37 (hg19) VCF-style: chr5-156672796-A-T.
Other names: short protein forms T504S.
Identifiers: ClinVar variation 540355 (VCV000540355.59), dbSNP rs151046132, ClinGen allele CA3533103.

ClinVar aggregate classification (germline): Conflicting classifications of pathogenicity. Review status: criteria provided, conflicting classifications (1 of 4 stars). 6 submissions from 6 submitters: Uncertain significance (3); Benign (1); Likely benign (1). 1 of the submissions does not count toward it. Last evaluated 2026-01-22.

Conditions:
Lymphoproliferative syndrome 1 (LPFS1). Identifiers: Orphanet 238505, Orphanet 538963, MedGen C3552634, MONDO:0013081, OMIM 613011.
ITK-related disorder. Also called: ITK-related condition.

Allele frequency attached by ClinVar (database versions not stated): 1000 Genomes Project 0.00040; 1000 Genomes Project 30x 0.00047; ExAC 0.00082; gnomAD exomes 0.00083 and 0.00121; gnomAD 0.00089 and 0.00090; TOPMed 0.00090; ESP Exome Variant Server 0.00115.
gnomAD v4.1: 1,885 of 1,614,128 alleles (0.12%); highest among the groups gnomAD compares: Admixed American, 0.15%; 2 homozygotes.

Submissions (6):

Labcorp Genetics (formerly Invitae), Labcorp
Classification: Likely benign for Lymphoproliferative syndrome 1. Last evaluated: 2026-01-22. Review status: criteria provided, single submitter. Criteria: Invitae Variant Classification Sherloc (09022015). Collection method: clinical testing. Allele origin: germline.

Blueprint Genetics
Classification: Uncertain significance. Last evaluated: 2024-11-15. Review status: criteria provided, single submitter. Criteria: ACMG Guidelines, 2015. Collection method: clinical testing. Allele origin: germline.

Dasa
Classification: Benign. Last evaluated: 2024-01-16. Review status: criteria provided, single submitter. Criteria: DASA Assertion Criteria. Collection method: clinical testing. Allele origin: germline.
Comment: NM_005546.4(ITK):c.1510A>T (p.Thr504Ser) is interpreted as benign based on a combination of available evidence, which may include population frequency, observations in unaffected individuals, intact protein function, lack of segregation with disease, in silico models, amino acid conservation, lack of disease association in case-control studies, and/or inconsistency with the known disease mechanism or impacted region. Based on the available data, this variant is classified as benign.

CeGaT Center for Human Genetics Tuebingen
Classification: Uncertain significance. Last evaluated: 2018-12-01. Review status: criteria provided, single submitter. Criteria: CeGaT Center For Human Genetics Tuebingen Variant Classification Criteria Version 2. Collection method: clinical testing. Allele origin: germline. Affected: yes. Observed: 1 variant allele.

Illumina Laboratory Services, Illumina
Classification: Uncertain significance for Lymphoproliferative syndrome 1. Last evaluated: 2018-01-12. Review status: criteria provided, single submitter. Criteria: ICSL Variant Classification Criteria 13 December 2019. Collection method: clinical testing. Allele origin: germline.

PreventionGenetics, part of Exact Sciences
Classification: Likely benign for ITK-related condition. Last evaluated: 2024-01-08. Review status: no assertion criteria provided. Collection method: clinical testing. Allele origin: germline. Not counted in ClinVar's aggregate classification.
Comment: This variant is classified as likely benign based on ACMG/AMP sequence variant interpretation guidelines (Richards et al. 2015 PMID: 25741868, with internal and published modifications).